The following is an entry in ClinVar:

ClinVar aggregate classification (germline): Uncertain significance (0 of 4 stars; one submission).

Conditions:
F13A1-related disorder. Also called: F13A1-related condition.

gnomAD v4.1: 31 of 1,613,510 alleles (0.0019%); highest among the groups gnomAD compares: East Asian, 0.022%; no homozygotes.

Submission:

PreventionGenetics, part of Exact Sciences
Classification: Uncertain significance for F13A1-related condition. Last evaluated: 2024-03-28. Review status: no assertion criteria provided. Collection method: clinical testing. Allele origin: germline.
Comment: The F13A1 c.68C>T variant is predicted to result in the amino acid substitution p.Ala23Val. To our knowledge, this variant has not been reported in the literature. This variant is reported in 0.014% of alleles in individuals of Latino descent in gnomAD. At this time, the clinical significance of this variant is uncertain due to the absence of conclusive functional and genetic evidence.

NM_000129.4(F13A1):c.68C>T (p.Ala23Val)

Gene: F13A1 (coagulation factor XIII A chain; minus strand). Cytogenetic location: 6p25.1.
Variant type: single nucleotide variant.
Coding change: c.68C>T on transcript NM_000129.4 (MANE Select); coding-DNA position 68, C replaced by T.
Protein change: p.Ala23Val; replaces alanine 23 with valine.
Molecular consequence: missense variant.
Genome position (GRCh38, 1-based): chr6:6,318,597, G>A on the plus strand (C>T on the coding strand, the complement: F13A1 is on the minus strand). VCF-style: chr6-6318597-G-A. GRCh37 (hg19) VCF-style: chr6-6318830-G-A.
Other names: short protein forms A23V.
Identifiers: ClinVar variation 3352034 (VCV003352034.1).